The following is an entry in ClinVar:

NM_001365536.1(SCN9A):c.3098A>G (p.Lys1033Arg)

Genes: SCN1A-AS1 (SCN1A and SCN9A antisense RNA 1; plus strand), SCN9A (sodium voltage-gated channel alpha subunit 9; minus strand). Cytogenetic location: 2q24.3.
Variant type: single nucleotide variant.
Coding change: c.3098A>G on transcript NM_001365536.1 (MANE Select); coding-DNA position 3098, A replaced by G.
Protein change: p.Lys1033Arg; replaces lysine 1033 with arginine.
Molecular consequence: missense variant.
Genome position (GRCh38, 1-based): chr2:166,272,652, T>C on the plus strand (A>G on the coding strand, the complement: SCN9A is on the minus strand). VCF-style: chr2-166272652-T-C. GRCh37 (hg19) VCF-style: chr2-167129162-T-C.
Other names: c.3065A>G, p.Lys1022Arg (NM_002977.4); short protein forms K1022R, K1033R.
Identifiers: ClinVar variation 1995548 (VCV001995548.4), dbSNP rs2467984454, ClinGen allele CA349073920.

ClinVar aggregate classification (germline): Uncertain significance (1 of 4 stars; one submission).

Conditions:
Neuropathy, hereditary sensory and autonomic, type 2A (HSAN2A). Also called: MORVAN DISEASE; NEUROPATHY, CONGENITAL SENSORY; NEUROPATHY, HEREDITARY SENSORY RADICULAR, AUTOSOMAL RECESSIVE; NEUROPATHY, HEREDITARY SENSORY, TYPE IIA; NEUROPATHY, PROGRESSIVE SENSORY, OF CHILDREN; HSAN IIA. Identifiers: Orphanet 970, MedGen C2752089, MONDO:0024309, OMIM 201300.
Generalized epilepsy with febrile seizures plus, type 7 (GEFSP7). Also called: GEFS+, TYPE 7. Identifiers: Orphanet 36387, MedGen C2751778, MONDO:0013470, OMIM 613863.

Submission:

Labcorp Genetics (formerly Invitae), Labcorp
Classification: Uncertain significance for Neuropathy, hereditary sensory and autonomic, type 2A; Generalized epilepsy with febrile seizures plus, type 7. Last evaluated: 2025-11-24. Review status: criteria provided, single submitter. Criteria: Invitae Variant Classification Sherloc (09022015). Collection method: clinical testing. Allele origin: germline.
Comment: This sequence change replaces lysine, which is basic and polar, with arginine, which is basic and polar, at codon 1022 of the SCN9A protein (p.Lys1022Arg). This variant is not present in population databases (gnomAD no frequency). This variant has not been reported in the literature in individuals affected with SCN9A-related conditions. ClinVar contains an entry for this variant (Variation ID: 1995548). Invitae Evidence Modeling of protein sequence and biophysical properties (such as structural, functional, and spatial information, amino acid conservation, physicochemical variation, residue mobility, and thermodynamic stability) indicates that this missense variant is not expected to disrupt SCN9A protein function with a negative predictive value of 95%. In summary, the available evidence is currently insufficient to determine the role of this variant in disease. Therefore, it has been classified as a Variant of Uncertain Significance.